The following is an entry in ClinVar:

NM_017755.6(NSUN2):c.86G>T (p.Arg29Leu)

Gene: NSUN2 (NOP2/Sun RNA methyltransferase 2; minus strand). Cytogenetic location: 5p15.31.
Variant type: single nucleotide variant.
Coding change: c.86G>T on transcript NM_017755.6 (MANE Select); coding-DNA position 86, G replaced by T.
Protein change: p.Arg29Leu; replaces arginine 29 with leucine.
Molecular consequence: missense variant. On other transcripts: non-coding transcript variant (1).
Genome position (GRCh38, 1-based): chr5:6,632,894, C>A on the plus strand (G>T on the coding strand, the complement: NSUN2 is on the minus strand). VCF-style: chr5-6632894-C-A. GRCh37 (hg19) VCF-style: chr5-6633007-C-A.
Other names: c.86G>T, p.Arg29Leu (NM_001193455.2); short protein forms R29L.
Identifiers: ClinVar variation 1976076 (VCV001976076.2), dbSNP rs945705706, ClinGen allele CA359130812.

ClinVar aggregate classification (germline): Uncertain significance (1 of 4 stars; one submission).

Allele frequency attached by ClinVar (database versions not stated): gnomAD exomes below 0.00001.
gnomAD v4.1: 1 of 1,531,098 alleles (0.000065%); highest among the groups gnomAD compares: Non-Finnish European, 0.000087%; no homozygotes.

Submission:

Labcorp Genetics (formerly Invitae), Labcorp
Classification: Uncertain significance. Last evaluated: 2022-09-12. Review status: criteria provided, single submitter. Criteria: Invitae Variant Classification Sherloc (09022015). Collection method: clinical testing. Allele origin: germline.
Comment: This sequence change replaces arginine, which is basic and polar, with leucine, which is neutral and non-polar, at codon 29 of the NSUN2 protein (p.Arg29Leu). This variant is present in population databases (no rsID available, gnomAD 0.002%). This variant has not been reported in the literature in individuals affected with NSUN2-related conditions. Advanced modeling of protein sequence and biophysical properties (such as structural, functional, and spatial information, amino acid conservation, physicochemical variation, residue mobility, and thermodynamic stability) performed at Invitae indicates that this missense variant is not expected to disrupt NSUN2 protein function. In summary, the available evidence is currently insufficient to determine the role of this variant in disease. Therefore, it has been classified as a Variant of Uncertain Significance.